The following is an entry in ClinVar:

ClinVar aggregate classification (germline): Likely benign. Review status: criteria provided, multiple submitters, no conflicts (2 of 4 stars). 6 submissions from 6 submitters: Likely benign (5). 1 of the submissions does not count toward it. Last evaluated 2025-12-29.

Conditions:
IFT80-related disorder. Also called: IFT80-related condition.
Jeune thoracic dystrophy. Also called: Jeune syndrome; Infantile thoracic dystrophy; Thoracic pelvic phalangeal dystrophy; Jeune's syndrome; Chondroectodermal dysplasia-like syndrome; Short-rib thoracic dysplasia. Identifiers: Orphanet 474, MedGen C0265275, MONDO:0018770.
Asphyxiating thoracic dystrophy 2 (SRTD2). Also called: SHORT-RIB THORACIC DYSPLASIA 2 WITH OR WITHOUT POLYDACTYLY; SHORT-RIB THORACIC DYSPLASIA 2 WITH POLYDACTYLY; SHORT-RIB THORACIC DYSPLASIA 2 WITHOUT POLYDACTYLY. Identifiers: Orphanet 474, MedGen C1970005, MONDO:0012644, OMIM 611263.

Allele frequency attached by ClinVar (database versions not stated): 1000 Genomes Project 0.00100; 1000 Genomes Project 30x 0.00125; gnomAD 0.00211 and 0.00224; TOPMed 0.00239; ESP Exome Variant Server 0.00277.
gnomAD v4.1: 801 of 1,612,956 alleles (0.05%); highest among the groups gnomAD compares: African/African-American, 0.67%; 5 homozygotes.

Submissions (6):

Labcorp Genetics (formerly Invitae), Labcorp
Classification: Likely benign for Jeune thoracic dystrophy. Last evaluated: 2025-12-29. Review status: criteria provided, single submitter. Criteria: Invitae Variant Classification Sherloc (09022015). Collection method: clinical testing. Allele origin: germline.

ARUP Laboratories, Molecular Genetics and Genomics, ARUP Laboratories
Classification: Likely benign for Asphyxiating thoracic dystrophy 2. Last evaluated: 2025-06-11. Review status: criteria provided, single submitter. Criteria: ARUP Molecular Germline Variant Investigation Process 2024. Collection method: clinical testing. Allele origin: germline.

Blueprint Genetics
Classification: Likely benign. Last evaluated: 2024-10-21. Review status: criteria provided, single submitter. Criteria: ACMG Guidelines, 2015. Collection method: clinical testing. Allele origin: germline.

CeGaT Center for Human Genetics Tuebingen
Classification: Likely benign. Last evaluated: 2024-05-01. Review status: criteria provided, single submitter. Criteria: CeGaT Center For Human Genetics Tuebingen Variant Classification Criteria Version 2. Collection method: clinical testing. Allele origin: germline. Affected: yes. Observed: 2 variant alleles.
Comment: IFT80: BP4

Illumina Laboratory Services, Illumina
Classification: Likely benign for Asphyxiating thoracic dystrophy 2. Last evaluated: 2018-01-12. Review status: criteria provided, single submitter. Criteria: ICSL Variant Classification Criteria 13 December 2019. Collection method: clinical testing. Allele origin: germline.
Comment: This variant was observed in the ICSL laboratory as part of a predisposition screen in an ostensibly healthy population. It had not been previously curated by ICSL or reported in the Human Gene Mutation Database (HGMD: prior to June 1st, 2018), and was therefore a candidate for classification through an automated scoring system. Utilizing variant allele frequency, disease prevalence and penetrance estimates, and inheritance mode, an automated score was calculated to assess if this variant is too frequent to cause the disease. Based on the score and internal cut-off values, a variant classified as likely benign is not then subjected to further curation. The score for this variant resulted in a classification of likely benign for this disease.

PreventionGenetics, part of Exact Sciences
Classification: Benign for IFT80-related condition. Last evaluated: 2020-05-06. Review status: no assertion criteria provided. Collection method: clinical testing. Allele origin: germline. Not counted in ClinVar's aggregate classification.
Comment: This variant is classified as benign based on ACMG/AMP sequence variant interpretation guidelines (Richards et al. 2015 PMID: 25741868, with internal and published modifications).

NM_020800.3(IFT80):c.880G>A (p.Val294Ile)

Genes: IFT80 (intraflagellar transport 80; minus strand), TRIM59-IFT80 (TRIM59-IFT80 readthrough (NMD candidate); minus strand). Cytogenetic location: 3q25.33.
Variant type: single nucleotide variant.
Coding change: c.880G>A on transcript NM_020800.3 (MANE Select); coding-DNA position 880, G replaced by A.
Protein change: p.Val294Ile; replaces valine 294 with isoleucine.
Molecular consequence: missense variant. On other transcripts: non-coding transcript variant (3).
Genome position (GRCh38, 1-based): chr3:160,319,837, C>T on the plus strand (G>A on the coding strand, the complement: IFT80 is on the minus strand). VCF-style: chr3-160319837-C-T. GRCh37 (hg19) VCF-style: chr3-160037625-C-T.
Other names: c.469G>A, p.Val157Ile (NM_001190241.2, NM_001190242.2); short protein forms V294I, V157I.
Identifiers: ClinVar variation 459284 (VCV000459284.42), dbSNP rs148926415, ClinGen allele CA2685320.